The following is an entry in ClinVar:

ClinVar aggregate classification (germline): Uncertain significance (1 of 4 stars; one submission).

Conditions:
Ataxia-telangiectasia syndrome (AT). Also called: LOUIS-BAR SYNDROME; Cerebello-oculocutaneous telangiectasia; Immunodeficiency with ataxia telangiectasia; Ataxia telangiectasia (A-T); Ataxia-telangiectasia, complementation group D; AT, COMPLEMENTATION GROUP C. Identifiers: Orphanet 100, MedGen C0004135, MONDO:0008840, OMIM 208900.

Submission:

Labcorp Genetics (formerly Invitae), Labcorp
Classification: Uncertain significance for Ataxia-telangiectasia syndrome. Last evaluated: 2022-12-15. Review status: criteria provided, single submitter. Criteria: Invitae Variant Classification Sherloc (09022015). Collection method: clinical testing. Allele origin: germline.
Comment: In summary, the available evidence is currently insufficient to determine the role of this variant in disease. Therefore, it has been classified as a Variant of Uncertain Significance. This sequence change replaces isoleucine, which is neutral and non-polar, with methionine, which is neutral and non-polar, at codon 2647 of the ATM protein (p.Ile2647Met). This variant is not present in population databases (gnomAD no frequency). This variant has not been reported in the literature in individuals affected with ATM-related conditions. Algorithms developed to predict the effect of missense changes on protein structure and function are either unavailable or do not agree on the potential impact of this missense change (SIFT: "Deleterious"; PolyPhen-2: "Possibly Damaging"; Align-GVGD: "Class C0").

NM_000051.4(ATM):c.7941T>G (p.Ile2647Met)

Genes: ATM (ATM serine/threonine kinase; plus strand), C11orf65 (chromosome 11 open reading frame 65; minus strand). Cytogenetic location: 11q22.3.
Variant type: single nucleotide variant.
Coding change: c.7941T>G on transcript NM_000051.4 (MANE Select); coding-DNA position 7941, T replaced by G.
Protein change: p.Ile2647Met; replaces isoleucine 2647 with methionine.
Molecular consequence: missense variant. On other transcripts: intron variant (2).
Genome position (GRCh38, 1-based): chr11:108,333,899, T>G. VCF-style: chr11-108333899-T-G. GRCh37 (hg19) VCF-style: chr11-108204626-T-G.
Other names: c.7941T>G, p.Ile2647Met (NM_001351834.2); c.641-24828A>C (NM_001330368.2); c.*38+1321A>C (NM_001351110.2); short protein forms I2647M.
Identifiers: ClinVar variation 2820898 (VCV002820898.3), dbSNP rs2547313035, ClinGen allele CA382561679.